The following is an entry in ClinVar:

NM_001079843.3(CASZ1):c.1321_1340+8dup

Gene: CASZ1 (castor zinc finger 1; minus strand). Cytogenetic location: 1p36.22.
Variant type: Duplication.
Coding change: c.1321_1340+8dup on transcript NM_001079843.3 (MANE Select); coding-DNA position 1321 through 8 bases into the intron after coding-DNA position 1340, 28 bases duplicated (GGGACCGTCTCCACTGTCAAGTAAGGCG).
Molecular consequence: splice donor variant.
Genome position (GRCh38, 1-based): chr1:10,659,694-10,659,721, CGCCTTACTTGACAGTGGAGACGGTCCC duplicated on the plus strand (GGGACCGTCTCCACTGTCAAGTAAGGCG on the coding strand, the reverse complement: CASZ1 is on the minus strand); duplicating any 28 consecutive bases within chr1:10,659,694-10,659,723 gives the same sequence; the c. name uses the placement nearest the transcript's 3' end. VCF-style (leftmost placement, unchanged base first): chr1-10659693-G-GCGCCTTACTTGACAGTGGAGACGGTCCC. GRCh37 (hg19) VCF-style: chr1-10719750-G-GCGCCTTACTTGACAGTGGAGACGGTCCC.
Other names: c.1321_1340+8dup (NM_017766.5).
Identifiers: ClinVar variation 3774871 (VCV003774871.1).

ClinVar aggregate classification (germline): Uncertain significance (1 of 4 stars; one submission).

Submission:

GeneDx
Classification: Uncertain significance. Last evaluated: 2024-09-28. Review status: criteria provided, single submitter. Criteria: GeneDx Variant Classification Process June 2021. Collection method: clinical testing. Allele origin: germline. Affected: yes.
Comment: Not observed at significant frequency in large population cohorts (gnomAD); In silico analysis supports a deleterious effect on splicing; Has not been previously published as pathogenic or benign to our knowledge